The following is an entry in ClinVar:

NM_000432.4(MYL2):c.418G>A (p.Ala140Thr)

Gene: MYL2 (myosin light chain 2; minus strand). Cytogenetic location: 12q24.11.
Variant type: single nucleotide variant.
Coding change: c.418G>A on transcript NM_000432.4 (MANE Select); coding-DNA position 418, G replaced by A.
Protein change: p.Ala140Thr; replaces alanine 140 with threonine.
Molecular consequence: missense variant.
Genome position (GRCh38, 1-based): chr12:110,911,160, C>T on the plus strand (G>A on the coding strand, the complement: MYL2 is on the minus strand). VCF-style: chr12-110911160-C-T. GRCh37 (hg19) VCF-style: chr12-111348964-C-T.
Other names: short protein forms A140T.
Identifiers: ClinVar variation 532774 (VCV000532774.11), dbSNP rs1467265277, ClinGen allele CA386696998.

ClinVar aggregate classification (germline): Conflicting classifications of pathogenicity. Review status: criteria provided, conflicting classifications (1 of 4 stars). 4 submissions from 4 submitters: Uncertain significance (3); Likely benign (1). Last evaluated 2025-09-03.

Conditions:
Hypertrophic cardiomyopathy 10. Also called: CARDIOMYOPATHY, HYPERTROPHIC, MID-LEFT VENTRICULAR CHAMBER TYPE, 2; MYL2-Related Familial Hypertrophic Cardiomyopathy. Identifiers: MedGen C1834460, MONDO:0012112, OMIM 608758.
Hypertrophic cardiomyopathy. Also called: HYPERTROPHIC MYOCARDIOPATHY. Identifiers: Orphanet 217569, MedGen C0007194, MeSH D002312, MONDO:0005045, HP:0001639.
Cardiomyopathy (CMYO). Also called: Cardiomyopathies. Identifiers: Orphanet 167848, MedGen C0878544, MONDO:0004994, HP:0001638. Inheritance: Various modes of inheritance.
Cardiovascular phenotype. Identifiers: MedGen CN230736.

Allele frequency attached by ClinVar (database versions not stated): gnomAD exomes below 0.00001; TOPMed 0.00002; gnomAD 0.00006.

Submissions (4):

Labcorp Genetics (formerly Invitae), Labcorp
Classification: Uncertain significance for Hypertrophic cardiomyopathy 10. Last evaluated: 2025-09-03. Review status: criteria provided, single submitter. Criteria: Invitae Variant Classification Sherloc (09022015). Collection method: clinical testing. Allele origin: germline.
Comment: This sequence change replaces alanine, which is neutral and non-polar, with threonine, which is neutral and polar, at codon 140 of the MYL2 protein (p.Ala140Thr). This variant is present in population databases (rs4683, gnomAD 0.02%). This missense change has been observed in individual(s) with left ventricular noncompaction (PMID: 33500567). ClinVar contains an entry for this variant (Variation ID: 532774). An algorithm developed to predict the effect of missense changes on protein structure and function outputs the following: PolyPhen-2: "Benign". The threonine amino acid residue is found in multiple mammalian species, which suggests that this missense change does not adversely affect protein function. In summary, the available evidence is currently insufficient to determine the role of this variant in disease. Therefore, it has been classified as a Variant of Uncertain Significance.

All of Us Research Program, National Institutes of Health
Classification: Uncertain significance for Hypertrophic cardiomyopathy. Last evaluated: 2024-09-23. Review status: criteria provided, single submitter. Criteria: ACMG Guidelines, 2015. Collection method: clinical testing. Allele origin: germline. Inheritance: Autosomal dominant inheritance. Observed: 4 variant alleles, 4 heterozygotes.
Comment: This missense variant replaces alanine with threonine at codon 140 of the MYL2 protein. Computational prediction suggests that this variant may not impact protein structure and function (internally defined REVEL score threshold <= 0.5, PMID: 27666373). To our knowledge, functional studies have not been reported for this variant. This variant has not been reported in individuals affected with MYL2-related disorders in the literature. This variant has been identified in 5/279902 chromosomes in the general population by the Genome Aggregation Database (gnomAD). The available evidence is insufficient to determine the role of this variant in disease conclusively. Therefore, this variant is classified as a Variant of Uncertain Significance.

This study involves interpretation of variants in research participants for the purpose of population health screening. Participant phenotype was not available at the time of variant classification. Additional details can be found in publication PMID: 35346344, PMCID: PMC8962531

Color Diagnostics, LLC DBA Color Health
Classification: Uncertain significance for Cardiomyopathy. Last evaluated: 2024-05-14. Review status: criteria provided, single submitter. Criteria: ACMG Guidelines, 2015. Collection method: clinical testing. Allele origin: germline.
Comment: This missense variant replaces alanine with threonine at codon 140 of the MYL2 protein. Computational prediction tools indicate that this variant has a neutral impact on protein structure and function. To our knowledge, functional studies have not been reported for this variant. This variant has been reported in one individual affected with left ventricular noncompaction (PMID: 33500567). This variant has been identified in 5/279902 chromosomes in the general population by the Genome Aggregation Database (gnomAD). The available evidence is insufficient to determine the role of this variant in disease conclusively. Therefore, this variant is classified as a Variant of Uncertain Significance.

Ambry Genetics
Classification: Likely benign for Cardiovascular phenotype. Last evaluated: 2024-03-24. Review status: criteria provided, single submitter. Criteria: Ambry Variant Classification Scheme 2023. Collection method: clinical testing. Allele origin: germline.

Literature cited by the submitters: PubMed 33500567 (cited by 3 submitters); PubMed 30706179 (cited by Ambry Genetics).